The following is an entry in ClinVar:

ClinVar aggregate classification (germline): Benign (3 of 4 stars; one submission).

Conditions:
Breast-ovarian cancer, familial, susceptibility to, 1 (BROVCA1). Also called: BRCA1 Hereditary Breast and Ovarian Cancer; OVARIAN CANCER, SUSCEPTIBILITY TO. Identifiers: Orphanet 145, MedGen C2676676, MONDO:0011450, OMIM 604370. Disease mechanism: loss of function.

Submission:

Evidence-based Network for the Interpretation of Germline Mutant Alleles (ENIGMA)
Classification: Benign for Breast-ovarian cancer, familial, susceptibility to, 1. Last evaluated: 2016-09-28. Review status: reviewed by expert panel. Criteria: ENIGMA BRCA1/2 Classification Criteria (2015). Collection method: curation. Allele origin: germline.
Comment: Class 1 not pathogenic based on frequency >1% in an outbred sampleset. Frequency 0.3241 (European), 0.1573 (African), 0.3501 (Admixed American/Latino), 0.371 (East Asian), 0.498 (South Asian), derived from 1000 genomes (2013-05-02).

NM_007294.4(BRCA1):c.594-465_594-455dup

Gene: BRCA1 (BRCA1 DNA repair associated; minus strand). Cytogenetic location: 17q21.31.
Variant type: Duplication.
Coding change: c.594-465_594-455dup on transcript NM_007294.4 (MANE Select); 465 bases into the intron before coding-DNA position 594 through 455 bases into the intron before coding-DNA position 594, 11 bases duplicated (TTTTTTTTTTT).
Molecular consequence: intron variant.
Genome position (GRCh38, 1-based): chr17:43,096,377-43,096,387, AAAAAAAAAAA duplicated on the plus strand (TTTTTTTTTTT on the coding strand, the reverse complement: BRCA1 is on the minus strand); duplicating any 11 consecutive bases within chr17:43,096,377-43,096,394 gives the same sequence; the c. name uses the placement nearest the transcript's 3' end. VCF-style (leftmost placement, unchanged base first): chr17-43096376-C-CAAAAAAAAAAA. GRCh37 (hg19) VCF-style: chr17-41248393-C-CAAAAAAAAAAA.
Other names: c.338-1527_338-1517dup (NM_001407946.1, NM_001407952.1, NM_001407950.1 and 7 more transcripts); c.384-465_384-455dup (NM_001408489.1, NM_001408479.1, NM_001407910.1 and 27 more transcripts); c.585-465_585-455dup (NM_001407646.1, NM_001408408.1, NM_001407647.1); c.545-1527_545-1517dup (NM_001408445.1, NM_001408432.1, NM_001407689.1 and 20 more transcripts); c.591-465_591-455dup (NM_001408431.1, NM_001408424.1, NM_001408407.1 and 41 more transcripts); c.548-1527_548-1517dup (NM_001408443.1, NM_001408439.1, NM_001408425.1 and 34 more transcripts); c.594-465_594-455dup (NM_001408419.1, NM_001408403.1, NM_001407983.1 and 58 more transcripts); c.167-1527_167-1517dup (NM_001407965.1, NM_001408512.1); and 17 more.
Identifiers: ClinVar variation 264829 (VCV000264829.2), dbSNP rs71160005, ClinGen allele CA10588226.